The following is an entry in ClinVar:

NM_012162.4(FBXL6):c.662G>T (p.Arg221Leu)

Genes: FBXL6 (F-box and leucine rich repeat protein 6; minus strand), SLC52A2 (solute carrier family 52 member 2; plus strand). Cytogenetic location: 8q24.3.
Variant type: single nucleotide variant.
Coding change: c.662G>T on transcript NM_012162.4 (MANE Select); coding-DNA position 662, G replaced by T.
Protein change: p.Arg221Leu; replaces arginine 221 with leucine.
Molecular consequence: missense variant.
Genome position (GRCh38, 1-based): chr8:144,357,099, C>A on the plus strand (G>T on the coding strand, the complement: FBXL6 is on the minus strand). VCF-style: chr8-144357099-C-A. GRCh37 (hg19) VCF-style: chr8-145580759-C-A.
Other names: c.644G>T, p.Arg215Leu (NM_024555.6); short protein forms R215L, R221L.
Identifiers: ClinVar variation 2658981 (VCV002658981.24), dbSNP rs117589117, ClinGen allele CA4937832.
Genomic context (GRCh38, chr8:144,357,099, plus strand): 5'-AGCATGACCAGAGCGTCAGCAGTCACACCGTGGCAGCCGGAGAGCTTGAGGAAAGTGAGC[C>A]GAGGACAGCACTCACCTACCAGCTGCGGGGAGACAGAGGGGCAGCTGGGGTTGGGAGACG-3'
Protein context (NP_036294.2, residues 211-231): VLKLVGECCP[Arg221Leu]LTFLKLSGCH

ClinVar aggregate classification (germline): Likely benign (1 of 4 stars; one submission).

Allele frequency attached by ClinVar (database versions not stated): 1000 Genomes Project 30x 0.00078; 1000 Genomes Project 0.00080; gnomAD 0.00281; ESP Exome Variant Server 0.00415.
gnomAD v4.1: 7,257 of 1,612,872 alleles (0.45%); highest among the groups gnomAD compares: Non-Finnish European, 0.56%; 19 homozygotes.

Submission:

CeGaT Center for Human Genetics Tuebingen
Classification: Likely benign. Last evaluated: 2026-07-01. Review status: criteria provided, single submitter. Criteria: CeGaT Center For Human Genetics Tuebingen Variant Classification Criteria Version 2. Collection method: clinical testing. Allele origin: germline. Affected: yes. Observed: 4 variant alleles.
Comment: SLC52A2: BS2; FBXL6: BP4, BS2